The following is an entry in ClinVar:

NM_198253.3(TERT):c.1734G>C (p.Lys578Asn)

Gene: TERT (telomerase reverse transcriptase; minus strand). Cytogenetic location: 5p15.33.
Variant type: single nucleotide variant.
Coding change: c.1734G>C on transcript NM_198253.3 (MANE Select); coding-DNA position 1734, G replaced by C.
Protein change: p.Lys578Asn; replaces lysine 578 with asparagine.
Molecular consequence: missense variant. On other transcripts: non-coding transcript variant (2).
Genome position (GRCh38, 1-based): chr5:1,282,464, C>G on the plus strand (G>C on the coding strand, the complement: TERT is on the minus strand). VCF-style: chr5-1282464-C-G. GRCh37 (hg19) VCF-style: chr5-1282579-C-G.
Other names: c.1734G>C, p.Lys578Asn (NM_001193376.3, NM_003219.1); short protein forms K578N.
Identifiers: ClinVar variation 2942107 (VCV002942107.3), dbSNP rs1290344262, ClinGen allele CA359082898.

ClinVar aggregate classification (germline): Uncertain significance (1 of 4 stars; one submission).

Conditions:
Dyskeratosis congenita, autosomal dominant 2. Identifiers: MedGen C3151443, MONDO:0013521, OMIM 613989.
Idiopathic Pulmonary Fibrosis. Also called: Idiopathic fibrosing alveolitis, chronic form; idiopathic fibrosing alveolitis. Identifiers: Orphanet 2032, MedGen C1800706, MeSH D054990, MONDO:0800504.

Submission:

Labcorp Genetics (formerly Invitae), Labcorp
Classification: Uncertain significance for Dyskeratosis congenita, autosomal dominant 2; Idiopathic Pulmonary Fibrosis. Last evaluated: 2022-12-15. Review status: criteria provided, single submitter. Criteria: Invitae Variant Classification Sherloc (09022015). Collection method: clinical testing. Allele origin: germline.
Comment: This sequence change replaces lysine, which is basic and polar, with asparagine, which is neutral and polar, at codon 578 of the TERT protein (p.Lys578Asn). This variant is not present in population databases (gnomAD no frequency). This variant has not been reported in the literature in individuals affected with TERT-related conditions. Advanced modeling of protein sequence and biophysical properties (such as structural, functional, and spatial information, amino acid conservation, physicochemical variation, residue mobility, and thermodynamic stability) performed at Invitae indicates that this missense variant is expected to disrupt TERT protein function. In summary, the available evidence is currently insufficient to determine the role of this variant in disease. Therefore, it has been classified as a Variant of Uncertain Significance.